The following is an entry in ClinVar:

ClinVar aggregate classification (germline): Uncertain significance (1 of 4 stars; one submission).

Conditions:
Hereditary cancer-predisposing syndrome. Also called: Neoplastic Syndromes, Hereditary; Hereditary Cancer Syndrome; Hereditary neoplastic syndrome; Tumor predisposition. Identifiers: Orphanet 140162, MedGen C0027672, MeSH D009386, MONDO:0015356.

Allele frequency attached by ClinVar (database versions not stated): gnomAD exomes below 0.00001.
gnomAD v4.1: 1 of 1,614,022 alleles (0.000062%); highest among the groups gnomAD compares: Non-Finnish European, 0.000085%; no homozygotes.

Submission:

Ambry Genetics
Classification: Uncertain significance for Hereditary cancer-predisposing syndrome. Last evaluated: 2023-06-04. Review status: criteria provided, single submitter. Criteria: Ambry Variant Classification Scheme 2023. Collection method: clinical testing. Allele origin: germline.
Comment: The p.L264V variant (also known as c.790C>G), located in coding exon 3 of the ALK gene, results from a C to G substitution at nucleotide position 790. The leucine at codon 264 is replaced by valine, an amino acid with highly similar properties. This amino acid position is conserved. In addition, this alteration is predicted to be tolerated by in silico analysis. Since supporting evidence is limited at this time, the clinical significance of this alteration remains unclear.

NM_004304.5(ALK):c.790C>G (p.Leu264Val)

Gene: ALK (ALK receptor tyrosine kinase; minus strand). Cytogenetic location: 2p23.2.
Variant type: single nucleotide variant.
Coding change: c.790C>G on transcript NM_004304.5 (MANE Select); coding-DNA position 790, C replaced by G.
Protein change: p.Leu264Val; replaces leucine 264 with valine.
Molecular consequence: missense variant.
Genome position (GRCh38, 1-based): chr2:29,695,012, G>C on the plus strand (C>G on the coding strand, the complement: ALK is on the minus strand). VCF-style: chr2-29695012-G-C. GRCh37 (hg19) VCF-style: chr2-29917878-G-C.
Other names: short protein forms L264V.
Identifiers: ClinVar variation 2561059 (VCV002561059.2), dbSNP rs2148290067, ClinGen allele CA346587145.